The following is an entry in ClinVar:

NM_000059.4(BRCA2):c.7007+3A>T

Gene: BRCA2 (BRCA2 DNA repair associated; plus strand). Cytogenetic location: 13q13.1.
Variant type: single nucleotide variant.
Coding change: c.7007+3A>T on transcript NM_000059.4 (MANE Select); 3 bases into the intron after coding-DNA position 7007, A replaced by T.
Molecular consequence: intron variant.
Genome position (GRCh38, 1-based): chr13:32,346,899, A>T. VCF-style: chr13-32346899-A-T. GRCh37 (hg19) VCF-style: chr13-32921036-A-T.
Identifiers: ClinVar variation 1756656 (VCV001756656.3), dbSNP rs2548537136, ClinGen allele CA2580087340.

ClinVar aggregate classification (germline): Uncertain significance (1 of 4 stars; one submission).

Conditions:
Hereditary cancer-predisposing syndrome. Also called: Tumor predisposition; Hereditary Cancer Syndrome; Hereditary neoplastic syndrome; Neoplastic Syndromes, Hereditary. Identifiers: Orphanet 140162, MedGen C0027672, MeSH D009386, MONDO:0015356.

Submission:

Ambry Genetics
Classification: Uncertain significance for Hereditary cancer-predisposing syndrome. Last evaluated: 2026-02-18. Review status: criteria provided, single submitter. Criteria: Ambry Variant Classification Scheme 2023. Collection method: clinical testing. Allele origin: germline.
Comment: The c.7007+3A>T intronic variant results from an A to T substitution 3 nucleotides after coding exon 12 in the BRCA2 gene. This nucleotide position is highly conserved in available vertebrate species. In silico splice site analysis predicts that this alteration will weaken the native splice donor site. Based on the available evidence, the clinical significance of this variant remains unclear.